The following is an entry in ClinVar:

ClinVar aggregate classification (germline): Uncertain significance. Review status: criteria provided, multiple submitters, no conflicts (2 of 4 stars). 3 submissions from 3 submitters: Uncertain significance (2). 1 of the submissions does not count toward it. Last evaluated 2025-01-30.

Conditions:
Thrombocytopenia 2 (THC2). Also called: ANKRD26-Related Thrombocytopenia. Identifiers: Orphanet 268322, MedGen C1861185, MONDO:0008555, OMIM 188000.
ANKRD26-related disorder. Also called: ANKRD26-related condition.

Submissions (3):

PreventionGenetics, part of Exact Sciences
Classification: Uncertain significance for ANKRD26-related condition. Last evaluated: 2025-01-30. Review status: criteria provided, single submitter. Criteria: ACMG Guidelines, 2015. Collection method: clinical testing. Allele origin: germline.
Comment: The ANKRD26 c.4995_4998delAGAA variant is predicted to result in a frameshift and premature protein termination (p.Glu1666Leufs*10). To our knowledge, this variant has not been reported in the literature. This variant is reported in 0.0094% of alleles in individuals of European (Finnish) descent in gnomAD. At this time, the clinical significance of this variant is uncertain due to the absence of conclusive functional and genetic evidence.

GeneDx
Classification: Uncertain significance. Last evaluated: 2023-10-11. Review status: criteria provided, single submitter. Criteria: GeneDx Variant Classification Process June 2021. Collection method: clinical testing. Allele origin: germline. Affected: yes.
Comment: Frameshift variant predicted to result in abnormal protein length, as the last 45 amino acids are replaced with 9 different amino acids, in a gene for which loss-of-function is not a known mechanism of disease; Has not been previously published as pathogenic or benign to our knowledge; Not observed at significant frequency in large population cohorts (gnomAD)

ISTH-SSC Genomics in Thrombosis and Hemostasis, KU Leuven, Center for Molecular and Vascular Biology
Classification: Likely pathogenic for Thrombocytopenia 2. Review status: no assertion criteria provided. Collection method: research. Allele origin: unknown. Affected: yes. Not counted in ClinVar's aggregate classification.
Comment: Submitted to GoldVariant by Dr Marie-Christine Morel-Kopp from Northern Blood Research Centre, Sydney, Australia

NM_014915.3(ANKRD26):c.4995_4998del (p.Glu1666fs)

Gene: ANKRD26 (ankyrin repeat domain 26; minus strand). Cytogenetic location: 10p12.1.
Variant type: Deletion.
Coding change: c.4995_4998del on transcript NM_014915.3 (MANE Select); coding-DNA positions 4995 to 4998, 4 bases deleted (AGAA; older notation c.4995_4998delAGAA).
Protein change: p.Glu1666fs; shifts the reading frame from glutamic acid 1666.
Molecular consequence: frameshift variant.
Genome position (GRCh38, 1-based): chr10:27,006,918-27,006,921, TTCT deleted on the plus strand (AGAA on the coding strand, the reverse complement: ANKRD26 is on the minus strand); deleting any 4 consecutive bases within chr10:27,006,918-27,006,923 gives the same sequence; the c. name uses the placement nearest the transcript's 3' end. VCF-style (leftmost placement, unchanged base first): chr10-27006917-CTTCT-C. GRCh37 (hg19) VCF-style: chr10-27295846-CTTCT-C.
Other names: c.4995_4998delAGAA (NM_014915.2); c.4992_4995del, p.Glu1665fs (NM_001256053.2); short protein forms E1665fs, E1666fs.
Identifiers: ClinVar variation 1684448 (VCV001684448.3), dbSNP rs1564348376, ClinGen allele CA592373927.
Genomic context (GRCh38, chr10:27,006,917, plus strand): 5'-AATTTATTTCAGAAATCAATTAATTAATCTAAATTTAATTCATGAAGTTTGGCAACATAC[CTTCT>C]TTGAGTTCTCTAGTTATATTTTTTTCCAACTCCTGCTGCATCTGAAAAAAGTCAAATGTT-3'